The following is an entry in ClinVar:

NM_000341.4(SLC3A1):c.1307dup (p.Glu437fs)

Gene: SLC3A1 (solute carrier family 3 member 1; plus strand). Cytogenetic location: 2p21.
Variant type: Duplication.
Coding change: c.1307dup on transcript NM_000341.4 (MANE Select); coding-DNA position 1307, one base duplicated (C; older notation c.1307dupC).
Protein change: p.Glu437fs; shifts the reading frame from glutamic acid 437.
Molecular consequence: frameshift variant.
Genome position (GRCh38, 1-based): chr2:44,304,313, C duplicated; the last of 2 consecutive C bases (chr2:44,304,312-44,304,313); duplicating either gives the same sequence. VCF-style (leftmost placement, unchanged base first): chr2-44304311-G-GC. GRCh37 (hg19) VCF-style: chr2-44531450-G-GC.
Other names: short protein forms E437fs.
Identifiers: ClinVar variation 2203058 (VCV002203058.5), dbSNP rs1463329071, ClinGen allele CA532292012.

ClinVar aggregate classification (germline): Pathogenic. Review status: criteria provided, multiple submitters, no conflicts (2 of 4 stars). 2 submissions from 2 submitters: Pathogenic (2). Last evaluated 2024-02-21.

Conditions:
Cystinuria (CSNU). Also called: CYSTINURIA, TYPE I; CYSTINURIA, TYPE II; CYSTINURIA, TYPE III; Cystinuria, non-type I. Identifiers: Orphanet 214, MedGen C0010691, MONDO:0009067, OMIM 220100, HP:0003131.

Submissions (2):

Fulgent Genetics
Classification: Pathogenic for Cystinuria. Last evaluated: 2024-02-21. Review status: criteria provided, single submitter. Criteria: ACMG Guidelines, 2015. Collection method: clinical testing. Allele origin: germline.

Labcorp Genetics (formerly Invitae), Labcorp
Classification: Pathogenic for Cystinuria. Last evaluated: 2022-09-10. Review status: criteria provided, single submitter. Criteria: Invitae Variant Classification Sherloc (09022015). Collection method: clinical testing. Allele origin: germline.
Comment: This sequence change creates a premature translational stop signal (p.Glu437Argfs*6) in the SLC3A1 gene. It is expected to result in an absent or disrupted protein product. Loss-of-function variants in SLC3A1 are known to be pathogenic (PMID: 24610330, 25109415, 25964309). This variant is present in population databases (no rsID available, gnomAD 0.007%). This premature translational stop signal has been observed in individual(s) with cystinuria (PMID: 7539209). This variant is also known as 1306insC. For these reasons, this variant has been classified as Pathogenic.

Literature cited by the submitters: PubMed 24610330 (cited by Labcorp Genetics (formerly Invitae), Labcorp); PubMed 25109415 (cited by Labcorp Genetics (formerly Invitae), Labcorp); PubMed 25964309 (cited by Labcorp Genetics (formerly Invitae), Labcorp); PubMed 7539209 (cited by Labcorp Genetics (formerly Invitae), Labcorp).